The following is an entry in ClinVar:

NM_001267550.2(TTN):c.93474C>T (p.Asp31158=)

Genes: TTN (titin; minus strand), TTN-AS1 (TTN antisense RNA 1; plus strand). Cytogenetic location: 2q31.2.
Variant type: single nucleotide variant.
Coding change: c.93474C>T on transcript NM_001267550.2 (MANE Select); coding-DNA position 93474, C replaced by T.
Protein change: p.Asp31158=; no amino-acid change (aspartic acid 31158 retained).
Molecular consequence: synonymous variant.
Genome position (GRCh38, 1-based): chr2:178,548,152, G>A on the plus strand (C>T on the coding strand, the complement: TTN is on the minus strand). VCF-style: chr2-178548152-G-A. GRCh37 (hg19) VCF-style: chr2-179412879-G-A.
Other names: c.88551C>T, p.Asp29517= (NM_001256850.1); c.66279C>T, p.Asp22093= (NM_003319.4); c.85770C>T, p.Asp28590= (NM_133378.4); c.66654C>T, p.Asp22218= (NM_133432.3); c.66855C>T, p.Asp22285= (NM_133437.4).
Identifiers: ClinVar variation 535627 (VCV000535627.19), dbSNP rs750803038, ClinGen allele CA1987297.

ClinVar aggregate classification (germline): Conflicting classifications of pathogenicity. Review status: criteria provided, conflicting classifications (1 of 4 stars). 6 submissions from 6 submitters: Uncertain significance (1); Likely benign (5). Last evaluated 2026-01-27.

Conditions:
Cardiovascular phenotype. Identifiers: MedGen CN230736.
Dilated cardiomyopathy 1G (CMD1G). Identifiers: Orphanet 154, MedGen C1858763, MONDO:0011400, OMIM 604145.
Autosomal recessive limb-girdle muscular dystrophy type 2J (LGMDR10). Also called: MUSCULAR DYSTROPHY, LIMB-GIRDLE, AUTOSOMAL RECESSIVE 10; Limb-girdle muscular dystrophy, type 2J. Identifiers: Orphanet 140922, MedGen C1837342, MONDO:0012127, OMIM 608807.
TTN-related disorder. Also called: TTN-related condition; TTN-related disease; TTN-related disorders.
Cardiomyopathy (CMYO). Also called: Cardiomyopathies. Identifiers: Orphanet 167848, MedGen C0878544, MONDO:0004994, HP:0001638. Inheritance: Various modes of inheritance.

Allele frequency attached by ClinVar (database versions not stated): gnomAD 0.00001 and 0.00002; gnomAD exomes 0.00001 and 0.00002; ExAC 0.00002; TOPMed 0.00002.
gnomAD v4.1: 37 of 1,613,766 alleles (0.0023%); highest among the groups gnomAD compares: Middle Eastern, 0.016%; no homozygotes.

Submissions (6):

Labcorp Genetics (formerly Invitae), Labcorp
Classification: Likely benign for Dilated cardiomyopathy 1G; Autosomal recessive limb-girdle muscular dystrophy type 2J. Last evaluated: 2026-01-27. Review status: criteria provided, single submitter. Criteria: Invitae Variant Classification Sherloc (09022015). Collection method: clinical testing. Allele origin: germline.

PreventionGenetics, part of Exact Sciences
Classification: Likely benign for TTN-related condition. Last evaluated: 2025-10-13. Review status: criteria provided, single submitter. Criteria: ACMG Guidelines, 2015. Collection method: clinical testing. Allele origin: germline.
Comment: This variant is classified as likely benign based on ACMG/AMP sequence variant interpretation guidelines (Richards et al. 2015 PMID: 25741868, with internal and published modifications).

Women's Health and Genetics/Laboratory Corporation of America, LabCorp
Classification: Likely benign. Last evaluated: 2022-10-15. Review status: criteria provided, single submitter. Criteria: LabCorp Variant Classification Summary - May 2015. Collection method: clinical testing. Allele origin: germline.

Ambry Genetics
Classification: Likely benign for Cardiovascular phenotype. Last evaluated: 2022-09-24. Review status: criteria provided, single submitter. Criteria: Ambry Variant Classification Scheme 2023. Collection method: clinical testing. Allele origin: germline.

GeneDx
Classification: Likely benign. Last evaluated: 2021-04-06. Review status: criteria provided, single submitter. Criteria: GeneDx Variant Classification Process June 2021. Collection method: clinical testing. Allele origin: germline. Affected: yes.

CHEO Genetics Diagnostic Laboratory, Children's Hospital of Eastern Ontario
Classification: Uncertain significance for Cardiomyopathy. Last evaluated: 2016-05-18. Review status: criteria provided, single submitter. Criteria: ACMG Guidelines, 2015. Collection method: clinical testing. Allele origin: germline. Study: Canadian Open Genetics Repository.